The following is an entry in ClinVar:

ClinVar aggregate classification (germline): Pathogenic. Review status: criteria provided, multiple submitters, no conflicts (2 of 4 stars). 3 submissions from 3 submitters: Pathogenic (3). Last evaluated 2026-06-23.

Conditions:
Epidermolysis bullosa simplex 5B, with muscular dystrophy (EBS5B). Also called: EPIDERMOLYSIS BULLOSA SIMPLEX AND LIMB-GIRDLE MUSCULAR DYSTROPHY; Epidermolysis bullosa simplex with muscular dystrophy. Identifiers: Orphanet 257, MedGen C2931072, MONDO:0009181, OMIM 226670.
Epidermolysis bullosa simplex 5C, with pyloric atresia (EBS5C). Also called: PLEC-Related Epidermolysis Bullosa with Pyloric Atresia; Epidermolysis bullosa simplex with pyloric atresia; PLEC1-Related Epidermolysis Bullosa with Pyloric Atresia. Identifiers: Orphanet 158684, MedGen C2677349, MONDO:0012807, OMIM 612138.
Epidermolysis bullosa simplex, Ogna type (EBS5A). Also called: EPIDERMOLYSIS BULLOSA SIMPLEX 5A, OGNA TYPE; Pidermolysis bullosa simplex 5A, Ogna type. Identifiers: Orphanet 79401, MedGen C0432317, MONDO:0007555, OMIM 131950.
Epidermolysis bullosa simplex with nail dystrophy (EBS5D). Identifiers: MedGen C4225309, MONDO:0014661, OMIM 616487.
Autosomal recessive limb-girdle muscular dystrophy type 2Q (LGMDR17). Also called: MUSCULAR DYSTROPHY, LIMB-GIRDLE, AUTOSOMAL RECESSIVE 17. Identifiers: Orphanet 254361, MedGen C3150989, MONDO:0013390, OMIM 613723.

Allele frequency attached by ClinVar (database versions not stated): gnomAD exomes below 0.00001; TOPMed below 0.00001; ExAC below 0.00001; ESP Exome Variant Server 0.00009.
gnomAD v4.1: 6 of 1,589,212 alleles (0.00038%); highest among the groups gnomAD compares: South Asian, 0.0011%; no homozygotes.

Submissions (3):

Institute of Human Genetics, Cologne University
Classification: Pathogenic for Epidermolysis bullosa simplex 5B, with muscular dystrophy. Last evaluated: 2026-06-23. Review status: criteria provided, single submitter. Criteria: ACMG Guidelines, 2015. Collection method: clinical testing. Allele origin: biparental. Affected: yes.

Labcorp Genetics (formerly Invitae), Labcorp
Classification: Pathogenic for Autosomal recessive limb-girdle muscular dystrophy type 2Q; Epidermolysis bullosa simplex, Ogna type; Epidermolysis bullosa simplex with nail dystrophy; Epidermolysis bullosa simplex 5C, with pyloric atresia; Epidermolysis bullosa simplex 5B, with muscular dystrophy. Last evaluated: 2024-03-07. Review status: criteria provided, single submitter. Criteria: Invitae Variant Classification Sherloc (09022015). Collection method: clinical testing. Allele origin: germline.
Comment: This sequence change creates a premature translational stop signal (p.Arg2054*) in the PLEC gene. It is expected to result in an absent or disrupted protein product. Loss-of-function variants in PLEC are known to be pathogenic (PMID: 20301336, 20447487, 21109228, 23289980, 28824526). This variant is not present in population databases (gnomAD no frequency). This variant has not been reported in the literature in individuals affected with PLEC-related conditions. ClinVar contains an entry for this variant (Variation ID: 830362). For these reasons, this variant has been classified as Pathogenic.

Department of Molecular Biology and Genetics, Acibadem University
Classification: Pathogenic for Epidermolysis bullosa simplex with nail dystrophy. Last evaluated: 2020-03-25. Review status: criteria provided, single submitter. Criteria: ACMG Guidelines, 2015. Collection method: research. Allele origin: inherited. Inheritance: Autosomal recessive inheritance. Affected: yes. Observed: 1 homozygote.

Literature cited by the submitters: PubMed 20301336 (cited by Labcorp Genetics (formerly Invitae), Labcorp); PubMed 20447487 (cited by Labcorp Genetics (formerly Invitae), Labcorp); PubMed 21109228 (cited by Labcorp Genetics (formerly Invitae), Labcorp); PubMed 23289980 (cited by Labcorp Genetics (formerly Invitae), Labcorp); PubMed 28824526 (cited by Labcorp Genetics (formerly Invitae), Labcorp).

NM_201384.3(PLEC):c.6079C>T (p.Arg2027Ter)

Gene: PLEC (plectin; minus strand). Cytogenetic location: 8q24.3.
Variant type: single nucleotide variant.
Coding change: c.6079C>T on transcript NM_201384.3 (MANE Select); coding-DNA position 6079, C replaced by T.
Protein change: p.Arg2027Ter; replaces arginine 2027 with a stop codon.
Molecular consequence: nonsense.
Genome position (GRCh38, 1-based): chr8:143,923,850, G>A on the plus strand (C>T on the coding strand, the complement: PLEC is on the minus strand). VCF-style: chr8-143923850-G-A. GRCh37 (hg19) VCF-style: chr8-144998018-G-A.
Other names: c.6490C>T, p.Arg2164Ter (NM_201380.4); c.6160C>T, p.Arg2054Ter (NM_000445.5); c.6037C>T, p.Arg2013Ter (NM_201378.4); c.6013C>T, p.Arg2005Ter (NM_201379.3); c.5983C>T, p.Arg1995Ter (NM_201381.3); c.6079C>T, p.Arg2027Ter (NM_201382.4); c.6091C>T, p.Arg2031Ter (NM_201383.3); short protein forms R1995*, R2005*, R2013*, R2027*, R2031*, R2054*, R2164*.
Identifiers: ClinVar variation 830362 (VCV000830362.6), dbSNP rs368550010, ClinGen allele CA4926116.